The following is an entry in ClinVar:

ClinVar aggregate classification (germline): Likely benign (1 of 4 stars; one submission).

gnomAD v4.1: 11 of 1,611,688 alleles (0.00068%); highest among the groups gnomAD compares: Admixed American, 0.017%; no homozygotes.

Submission:

CeGaT Center for Human Genetics Tuebingen
Classification: Likely benign. Last evaluated: 2025-06-01. Review status: criteria provided, single submitter. Criteria: CeGaT Center For Human Genetics Tuebingen Variant Classification Criteria Version 2. Collection method: clinical testing. Allele origin: germline. Affected: yes. Observed: 1 variant allele.
Comment: MED13: BP4

NM_005121.3(MED13):c.5064+7G>A

Gene: MED13 (mediator complex subunit 13; minus strand). Cytogenetic location: 17q23.2.
Variant type: single nucleotide variant.
Coding change: c.5064+7G>A on transcript NM_005121.3 (MANE Select); 7 bases into the intron after coding-DNA position 5064, G replaced by A.
Molecular consequence: intron variant.
Genome position (GRCh38, 1-based): chr17:61,962,745, C>T on the plus strand (G>A on the coding strand, the complement: MED13 is on the minus strand). VCF-style: chr17-61962745-C-T. GRCh37 (hg19) VCF-style: chr17-60040106-C-T.
Identifiers: ClinVar variation 3905381 (VCV003905381.10).
Genomic context (GRCh38, chr17:61,962,745, plus strand): 5'-ATCTGAAACTTCTGACAACATTAAACTGTTTTACATAATTTTAACTCACAACATCTATCA[C>T]TCTTACCTGTACAGAAACAGTACTCTTGATATGAGGAGGAAGAGTCTGGACCATTTCTAG-3'